The following is an entry in ClinVar:

ClinVar aggregate classification (germline): Uncertain significance (1 of 4 stars; one submission).

Conditions:
Charcot-Marie-Tooth disease axonal type 2P. Also called: CHARCOT-MARIE-TOOTH NEUROPATHY, TYPE 2P; Charcot-Marie-Tooth Neuropathy Type 2G; CHARCOT-MARIE-TOOTH DISEASE, AXONAL, TYPE 2G; CMT 2G. Identifiers: Orphanet 300319, Orphanet 99941, MedGen C3280797, MONDO:0013753, OMIM 614436.

Submission:

Labcorp Genetics (formerly Invitae), Labcorp
Classification: Uncertain significance for Charcot-Marie-Tooth disease axonal type 2P. Last evaluated: 2019-05-07. Review status: criteria provided, single submitter. Criteria: Invitae Variant Classification Sherloc (09022015). Collection method: clinical testing. Allele origin: germline.
Comment: In summary, the available evidence is currently insufficient to determine the role of this variant in disease. Therefore, it has been classified as a Variant of Uncertain Significance. Algorithms developed to predict the effect of missense changes on protein structure and function are either unavailable or do not agree on the potential impact of this missense change (SIFT: "Deleterious"; PolyPhen-2: "Probably Damaging"; Align-GVGD: "Class C15"). This variant has not been reported in the literature in individuals with LRSAM1-related conditions. This variant is not present in population databases (ExAC no frequency). This sequence change replaces leucine with phenylalanine at codon 284 of the LRSAM1 protein (p.Leu284Phe). The leucine residue is highly conserved and there is a small physicochemical difference between leucine and phenylalanine.

NM_001005373.4(LRSAM1):c.850C>T (p.Leu284Phe)

Gene: LRSAM1 (leucine rich repeat and sterile alpha motif containing 1; plus strand). Cytogenetic location: 9q33.3.
Variant type: single nucleotide variant.
Coding change: c.850C>T on transcript NM_001005373.4 (MANE Select); coding-DNA position 850, C replaced by T.
Protein change: p.Leu284Phe; replaces leucine 284 with phenylalanine.
Molecular consequence: missense variant. On other transcripts: non-coding transcript variant (2).
Genome position (GRCh38, 1-based): chr9:127,479,452, C>T. VCF-style: chr9-127479452-C-T. GRCh37 (hg19) VCF-style: chr9-130241731-C-T.
Other names: c.850C>T, p.Leu284Phe (NM_001005374.4, NM_001190723.3, NM_001384142.1 and 2 more transcripts); c.61C>T, p.Leu21Phe (NM_001384144.1); short protein forms L284F, L21F.
Identifiers: ClinVar variation 951983 (VCV000951983.9), dbSNP rs1835452387, ClinGen allele CA374931220.